The following is an entry in ClinVar:

NM_000138.5(FBN1):c.3379G>T (p.Gly1127Cys)

Gene: FBN1 (fibrillin 1; minus strand). Cytogenetic location: 15q21.1.
Variant type: single nucleotide variant.
Coding change: c.3379G>T on transcript NM_000138.5 (MANE Select); coding-DNA position 3379, G replaced by T.
Protein change: p.Gly1127Cys; replaces glycine 1127 with cysteine.
Molecular consequence: missense variant.
Genome position (GRCh38, 1-based): chr15:48,487,396, C>A on the plus strand (G>T on the coding strand, the complement: FBN1 is on the minus strand). VCF-style: chr15-48487396-C-A. GRCh37 (hg19) VCF-style: chr15-48779593-C-A.
Other names: c.3379G>T, p.Gly1127Cys (NM_001406716.1); short protein forms G1127C.
Identifiers: ClinVar variation 3600235 (VCV003600235.1).
Genomic context (GRCh38, chr15:48,487,396, plus strand): 5'-ACAGCTGATGGCCAGGCGGGCATTCACAGCGGTAACTTCCCTCTGTGTTATGGCAAACAC[C>A]ACCTCGGCATAGGAGAGGATCTCTCTGACACTCATCAATATCTGCAAAATGGAAATGACC-3'
Protein context (NP_000129.3, residues 1117-1137): CQRDPLLCRG[Gly1127Cys]VCHNTEGSYR

ClinVar aggregate classification (germline): Pathogenic (0 of 4 stars; one submission).

Conditions:
Marfan syndrome (MFS). Also called: MARFAN SYNDROME, TYPE I; Marfan syndrome type 1; Marfan's syndrome; FBN1-Related Marfan Syndrome; Marfan syndrome, classic. Identifiers: Orphanet 284963, Orphanet 558, MedGen C0024796, MONDO:0007947, OMIM 154700.

Submission:

Department of Laboratory Medicine and Genetics, Samsung Medical Center
Classification: Pathogenic for Marfan syndrome. Last evaluated: 2025-01-02. Review status: no assertion criteria provided. Collection method: clinical testing. Allele origin: germline.
Comment: The NM_000138.5:c.3379G>T is considered to be rare in the general population database (gnomAD v2.1.1). This variant is predicted to be deleterious by in-silico analysis (REVEL). This variant is located in functional domains and a different missense variant at the same residue is determined to be pathogenic (c.3379G>A, p.Gly1127Ser and c.3380G>T, p.Gly1127Val). This variant was found in a patient with Marfan syndrome meeting revised Ghent criteria (PMID: 34201307; 35831148). According to the ClinGen guidance for PP1/BS4 and PP4 criteria (PMID: 38103548), PP4 with weighted strength was applied. In summary, this variant was classified as a pathogenic variant for Marfan syndrome (PM1, PM5, PP2, PP3, PP4 with weighted strength, PM2_P).

Literature cited by the submitters: PubMed 34201307; PubMed 35831148; PubMed 37558401.